The following is an entry in ClinVar:

NM_001457.4(FLNB):c.7450G>A (p.Glu2484Lys)

Genes: FLNB (filamin B; plus strand), FLNB-AS1 (FLNB antisense RNA 1; minus strand). Cytogenetic location: 3p14.3.
Variant type: single nucleotide variant.
Coding change: c.7450G>A on transcript NM_001457.4 (MANE Select); coding-DNA position 7450, G replaced by A.
Protein change: p.Glu2484Lys; replaces glutamic acid 2484 with lysine.
Molecular consequence: missense variant.
Genome position (GRCh38, 1-based): chr3:58,169,622, G>A. VCF-style: chr3-58169622-G-A. GRCh37 (hg19) VCF-style: chr3-58155349-G-A.
Other names: c.7543G>A, p.Glu2515Lys (NM_001164317.2); c.7417G>A, p.Glu2473Lys (NM_001164318.2); c.7378G>A, p.Glu2460Lys (NM_001164319.2); short protein forms E2460K, E2484K, E2515K, E2473K.
Identifiers: ClinVar variation 2990967 (VCV002990967.3), dbSNP rs1481087344, ClinGen allele CA353335176.

ClinVar aggregate classification (germline): Uncertain significance (1 of 4 stars; one submission).

Allele frequency attached by ClinVar (database versions not stated): gnomAD exomes below 0.00001; gnomAD 0.00001; TOPMed 0.00001.
gnomAD v4.1: 4 of 1,614,050 alleles (0.00025%); highest among the groups gnomAD compares: Middle Eastern, 0.016%; no homozygotes.

Submission:

Labcorp Genetics (formerly Invitae), Labcorp
Classification: Uncertain significance. Last evaluated: 2023-05-23. Review status: criteria provided, single submitter. Criteria: Invitae Variant Classification Sherloc (09022015). Collection method: clinical testing. Allele origin: germline.
Comment: In summary, the available evidence is currently insufficient to determine the role of this variant in disease. Therefore, it has been classified as a Variant of Uncertain Significance. This sequence change replaces glutamic acid, which is acidic and polar, with lysine, which is basic and polar, at codon 2484 of the FLNB protein (p.Glu2484Lys). This variant is present in population databases (no rsID available, gnomAD 0.0009%). This variant has not been reported in the literature in individuals affected with FLNB-related conditions. Advanced modeling of protein sequence and biophysical properties (such as structural, functional, and spatial information, amino acid conservation, physicochemical variation, residue mobility, and thermodynamic stability) performed at Invitae indicates that this missense variant is not expected to disrupt FLNB protein function.